The following is an entry in ClinVar:

ClinVar aggregate classification (germline): Conflicting classifications of pathogenicity. Review status: criteria provided, conflicting classifications (1 of 4 stars). 2 submissions from 2 submitters: Uncertain significance (1); Likely benign (1). Last evaluated 2025-08-24.

Conditions:
Familial thoracic aortic aneurysm and aortic dissection (TAAD). Also called: Thoracic aortic aneurysms and dissections. Identifiers: Orphanet 91387, MedGen C4707243, MONDO:0019625.
Melnick-Needles syndrome (MNS). Also called: Melnick-Needles Syndrome (FLNA-MNS); MELNICK-NEEDLES OSTEODYSPLASTY; OSTEODYSPLASTY OF MELNICK AND NEEDLES. Identifiers: Orphanet 2484, MedGen C0025237, MONDO:0010650, OMIM 309350.
Frontometaphyseal dysplasia (FMD1). Identifiers: Orphanet 1826, MedGen C0265293, MONDO:0015942.
Heterotopia, periventricular, X-linked dominant (PVNH1). Also called: X-linked periventricular heterotopia; PERIVENTRICULAR NODULAR HETEROTOPIA 4; HETEROTOPIA, PERIVENTRICULAR, 1; PERIVENTRICULAR NODULAR HETEROTOPIA 1. Identifiers: Orphanet 2149, Orphanet 82004, MedGen C1848213, MONDO:0010233, OMIM 300049.
Oto-palato-digital syndrome, type II (OPD2). Also called: Otopalatodigital Syndrome Type 2 (FLNA-OPD2); FACIOPALATOOSSEOUS SYNDROME; OPD II SYNDROME; Otopalatodigital Syndrome, Type II. Identifiers: Orphanet 669, Orphanet 90652, MedGen C1844696, MONDO:0010571, OMIM 304120.

Allele frequency attached by ClinVar (database versions not stated): gnomAD exomes 0.00002; ESP Exome Variant Server 0.00010; ExAC 0.00001; TOPMed 0.00001.
gnomAD v4.1: 18 of 1,210,786 alleles (0.0015%); highest among the groups gnomAD compares: Non-Finnish European, 0.0019%; no homozygotes.

Submissions (2):

Labcorp Genetics (formerly Invitae), Labcorp
Classification: Likely benign for Oto-palato-digital syndrome, type II; Heterotopia, periventricular, X-linked dominant; Frontometaphyseal dysplasia; Melnick-Needles syndrome. Last evaluated: 2025-08-24. Review status: criteria provided, single submitter. Criteria: Invitae Variant Classification Sherloc (09022015). Collection method: clinical testing. Allele origin: germline.

Ambry Genetics
Classification: Uncertain significance for Familial thoracic aortic aneurysm and aortic dissection. Last evaluated: 2021-12-01. Review status: criteria provided, single submitter. Criteria: Ambry Variant Classification Scheme 2023. Collection method: clinical testing. Allele origin: germline.
Comment: The c.2405-4G>A intronic variant results from a G to A substitution 4 nucleotides upstream from coding exon 16 in the FLNA gene. This nucleotide position is poorly conserved in available vertebrate species. In silico splice site analysis predicts that this alteration will not have any significant effect on splicing. Based on data from gnomAD, the A allele has an overall frequency of <0.01% (3/179449) total alleles studied, with 0 hemizygote(s) observed. The highest observed frequency was <0.01% (1/12329) of African alleles. Since supporting evidence is limited at this time, the clinical significance of this alteration remains unclear.

NM_001110556.2(FLNA):c.2405-4G>A

Gene: FLNA (filamin A; minus strand). Cytogenetic location: Xq28.
Variant type: single nucleotide variant.
Coding change: c.2405-4G>A on transcript NM_001110556.2 (MANE Select); 4 bases into the intron before coding-DNA position 2405, G replaced by A.
Molecular consequence: intron variant.
Genome position (GRCh38, 1-based): chrX:154,362,582, C>T on the plus strand (G>A on the coding strand, the complement: FLNA is on the minus strand). VCF-style: chrX-154362582-C-T. GRCh37 (hg19) VCF-style: chrX-153590950-C-T.
Other names: c.2405-4G>A (NM_001456.4).
Identifiers: ClinVar variation 239016 (VCV000239016.16), dbSNP rs368187218, ClinGen allele CA10560929.